The following is an entry in ClinVar:

ClinVar aggregate classification (germline): Uncertain significance (1 of 4 stars; one submission).

Conditions:
Inborn genetic diseases. Identifiers: MedGen C0950123, MeSH D030342.

Submission:

Ambry Genetics
Classification: Uncertain significance for Inborn genetic diseases. Last evaluated: 2025-11-23. Review status: criteria provided, single submitter. Criteria: Ambry Variant Classification Scheme 2023. Collection method: clinical testing. Allele origin: germline.
Comment: The p.P226R variant (also known as c.677C>G), located in coding exon 2 of the WT1 gene, results from a C to G substitution at nucleotide position 677. The proline at codon 226 is replaced by arginine, an amino acid with dissimilar properties. This amino acid position is conserved. In addition, this alteration is predicted to be deleterious by in silico analysis. Based on the available evidence, the clinical significance of this variant remains unclear.

NM_024426.6(WT1):c.692C>G (p.Pro231Arg)

Gene: WT1 (WT1 transcription factor; minus strand). Cytogenetic location: 11p13.
Variant type: single nucleotide variant.
Coding change: c.692C>G on transcript NM_024426.6 (MANE Select); coding-DNA position 692, C replaced by G.
Protein change: p.Pro231Arg; replaces proline 231 with arginine.
Molecular consequence: missense variant. On other transcripts: non-coding transcript variant (2), intron variant (2), 5 prime UTR variant (1).
Genome position (GRCh38, 1-based): chr11:32,428,589, G>C on the plus strand (C>G on the coding strand, the complement: WT1 is on the minus strand). VCF-style: chr11-32428589-G-C. GRCh37 (hg19) VCF-style: chr11-32450135-G-C.
Other names: c.692C>G, p.Pro231Arg (NM_000378.6, NM_001407044.1, NM_001407045.1 and 4 more transcripts); c.41C>G, p.Pro14Arg (NM_001198551.2, NM_001198552.2); c.662-531C>G (NM_001407050.1, NM_001407047.1); c.-71C>G (NM_001407051.1); c.473C>G, p.Pro158Arg (NM_001429031.1, NM_001429032.1, NM_001429033.1 and 1 more transcripts); short protein forms P226R, P14R, P158R, P231R.
Identifiers: ClinVar variation 4634875 (VCV004634875.1).